The following is an entry in ClinVar:

NM_015057.5(MYCBP2):c.11368A>G (p.Ile3790Val)

Genes: MYCBP2 (MYC binding protein 2; minus strand), MYCBP2-AS1 (MYCBP2 antisense RNA 1; plus strand). Cytogenetic location: 13q22.3.
Variant type: single nucleotide variant.
Coding change: c.11368A>G on transcript NM_015057.5 (MANE Select); coding-DNA position 11368, A replaced by G.
Protein change: p.Ile3790Val; replaces isoleucine 3790 with valine.
Molecular consequence: missense variant.
Genome position (GRCh38, 1-based): chr13:77,081,477, T>C on the plus strand (A>G on the coding strand, the complement: MYCBP2 is on the minus strand). VCF-style: chr13-77081477-T-C. GRCh37 (hg19) VCF-style: chr13-77655612-T-C.
Other names: short protein forms I3790V.
Identifiers: ClinVar variation 3361780 (VCV003361780.2).

ClinVar aggregate classification (germline): Uncertain significance (1 of 4 stars; one submission).

gnomAD v4.1: 2 of 1,612,814 alleles (0.00012%); highest among the groups gnomAD compares: African/African-American, 0.0027%; no homozygotes.

Submission:

GeneDx
Classification: Uncertain significance. Last evaluated: 2026-04-10. Review status: criteria provided, single submitter. Criteria: GeneDx Variant Classification Process June 2021. Collection method: clinical testing. Allele origin: germline.
Comment: Not observed at significant frequency in large population cohorts (gnomAD); In silico analysis supports that this missense variant does not alter protein structure/function; Has not been previously published as pathogenic or benign to our knowledge